The following is an entry in ClinVar:

ClinVar aggregate classification (germline): Conflicting classifications of pathogenicity. Review status: criteria provided, conflicting classifications (1 of 4 stars). 9 submissions from 9 submitters: Uncertain significance (5); Likely benign (2). 2 of the submissions do not count toward it. Last evaluated 2026-01-24.

Conditions:
Cardiovascular phenotype. Identifiers: MedGen CN230736.
Dilated cardiomyopathy 1C (CMD1C). Also called: CARDIOMYOPATHY, DILATED, 1C, WITH OR WITHOUT LEFT VENTRICULAR NONCOMPACTION; Cardiomyopathy, dilated, 1C, with or without LVNC. Identifiers: Orphanet 154, Orphanet 54260, MedGen C1832244, MONDO:0011094, OMIM 601493.
Myofibrillar myopathy 4. Also called: Zaspopathy (type). Identifiers: Orphanet 98912, MedGen C4721886, MONDO:0012277, OMIM 609452.
Primary familial hypertrophic cardiomyopathy (HCM). Identifiers: Orphanet 99739, MedGen C0949658, MeSH D024741, MONDO:0024573. Inheritance: Various modes of inheritance.

Allele frequency attached by ClinVar (database versions not stated): gnomAD exomes 0.00007 and 0.00011; ExAC 0.00008; gnomAD 0.00009; ESP Exome Variant Server 0.00031; TOPMed 0.00009.
gnomAD v4.1: 181 of 1,613,196 alleles (0.011%); highest among the groups gnomAD compares: Non-Finnish European, 0.014%; no homozygotes.

Submissions (9):

Labcorp Genetics (formerly Invitae), Labcorp
Classification: Uncertain significance for Myofibrillar myopathy 4. Last evaluated: 2026-01-24. Review status: criteria provided, single submitter. Criteria: Invitae Variant Classification Sherloc (09022015). Collection method: clinical testing. Allele origin: germline.
Comment: The LDB3 gene has multiple clinically relevant transcripts. This variant occurs in alternate transcript NM_007078.3, and corresponds to NM_001080116.1:c.*17208T>C in the primary transcript. This sequence change replaces phenylalanine, which is neutral and non-polar, with serine, which is neutral and polar, at codon 496 of the LDB3 protein (p.Phe496Ser). This variant is present in population databases (rs147072071, gnomAD 0.01%). This missense change has been observed in individual(s) with clinical features of LDB3-related conditions (PMID: 29247119, 30847666, 32746448). This variant is also known as c.180T>C (p.Phe386Ser). ClinVar contains an entry for this variant (Variation ID: 201849). Experimental studies and prediction algorithms are not available or were not evaluated, and the functional significance of this variant is currently unknown. In summary, the available evidence is currently insufficient to determine the role of this variant in disease. Therefore, it has been classified as a Variant of Uncertain Significance.

Laboratory of Genetics, Children's Clinical University Hospital Latvia
Classification: Likely benign. Last evaluated: 2025-02-16. Review status: criteria provided, single submitter. Criteria: ACMG Guidelines, 2015. Collection method: clinical testing. Allele origin: germline. Affected: yes.

GeneDx
Classification: Uncertain significance. Last evaluated: 2025-01-13. Review status: criteria provided, single submitter. Criteria: GeneDx Variant Classification Process June 2021. Collection method: clinical testing. Allele origin: germline. Affected: yes.
Comment: Reported using an alternate transcript of the gene; Identified in patients with sudden unexplained death and dilated cardiomyopathy in the published literature; described as Phe386Ser, Phe496Ser, and Phe501Ser using various alternate transcripts (PMID: 29247119, 30847666, 32746448, 33919104); In silico analysis supports that this missense variant has a deleterious effect on protein structure/function; This variant is associated with the following publications: (PMID: 33919104, 32746448, 30847666, 29247119)

Blueprint Genetics
Classification: Likely benign. Last evaluated: 2024-11-25. Review status: criteria provided, single submitter. Criteria: ACMG Guidelines, 2015. Collection method: clinical testing. Allele origin: germline.

Ambry Genetics
Classification: Uncertain significance for Cardiovascular phenotype. Last evaluated: 2024-03-22. Review status: criteria provided, single submitter. Criteria: Ambry Variant Classification Scheme 2023. Collection method: clinical testing. Allele origin: germline.
Comment: The p.F496S variant (also known as c.1487T>C), located in coding exon 9 of the LDB3 gene, results from a T to C substitution at nucleotide position 1487. The phenylalanine at codon 496 is replaced by serine, an amino acid with highly dissimilar properties. This variant (also described as p.F386S) has been reported in a sudden unexplained death case and a dilated cardiomyopathy genetic testing case; however, clinical details were limited for both individuals (Lin Y et al. Circ Cardiovasc Genet, 2017 Dec;10:; van Lint FHM et al. Neth Heart J, 2019 Jun;27:304-309). This alteration has also been reported in a pediatric cardiomyopathy cohort (Burstein DS et al. Pediatr Res, 2021 May;89:1470-1476).This amino acid position is highly conserved in available vertebrate species. In addition, the in silico prediction for this alteration is inconclusive. Based on the available evidence, the clinical significance of this alteration remains unclear.

Fulgent Genetics
Classification: Uncertain significance for Dilated cardiomyopathy 1C; Myofibrillar myopathy 4. Last evaluated: 2021-11-09. Review status: criteria provided, single submitter. Criteria: ACMG Guidelines, 2015. Collection method: clinical testing. Allele origin: unknown.

Molecular Diagnostic Laboratory for Inherited Cardiovascular Disease, Montreal Heart Institute
Classification: Uncertain significance for Primary familial hypertrophic cardiomyopathy. Review status: criteria provided, single submitter. Criteria: ACMG Guidelines, 2015. Collection method: clinical testing. Allele origin: germline. Affected: yes.

Clinical Genetics DNA and cytogenetics Diagnostics Lab, Erasmus MC, Erasmus Medical Center
Classification: Uncertain significance. Review status: no assertion criteria provided. Collection method: clinical testing. Allele origin: germline. Affected: yes. Study: VKGL Data-share Consensus. Not counted in ClinVar's aggregate classification.

Clinical Genetics, Academic Medical Center
Classification: Uncertain significance. Review status: no assertion criteria provided. Collection method: clinical testing. Allele origin: germline. Affected: yes. Study: VKGL Data-share Consensus. Not counted in ClinVar's aggregate classification.

Literature cited by the submitters: PubMed 29247119 (cited by Labcorp Genetics (formerly Invitae), Labcorp and Ambry Genetics); PubMed 30847666 (cited by Labcorp Genetics (formerly Invitae), Labcorp and Ambry Genetics); PubMed 32746448 (cited by Labcorp Genetics (formerly Invitae), Labcorp and Ambry Genetics).

NM_007078.3(LDB3):c.1487T>C (p.Phe496Ser)

Gene: LDB3 (LIM domain binding 3; plus strand). Cytogenetic location: 10q23.2.
Variant type: single nucleotide variant.
Coding change: c.1487T>C on transcript NM_007078.3 (MANE Select); coding-DNA position 1487, T replaced by C.
Protein change: p.Phe496Ser; replaces phenylalanine 496 with serine.
Molecular consequence: missense variant.
Genome position (GRCh38, 1-based): chr10:86,716,582, T>C. VCF-style: chr10-86716582-T-C. GRCh37 (hg19) VCF-style: chr10-88476339-T-C.
Other names: p.F496S:TTC>TCC; c.1157T>C, p.Phe386Ser (NM_001080114.2); c.1502T>C, p.Phe501Ser (NM_001171610.2); c.1298T>C, p.Phe433Ser (NM_001368064.1, NM_001368065.1); c.1346T>C, p.Phe449Ser (NM_001368066.1); short protein forms F496S, F501S, F386S, F433S, F449S.
Identifiers: ClinVar variation 201849 (VCV000201849.27), dbSNP rs147072071, ClinGen allele CA308633.
Genomic context (GRCh38, chr10:86,716,582, plus strand): 5'-CCTACAGCGGGGGCCCTGCGGAGCCTGCCAGCCGTCCACCCTGGGTGACAGATGATAGCT[T>C]CTCCCAGAAGTTTGCCCCGGGCAAGAGCACCACCTCCATCAGCAAGCAGACCCTGCCCCG-3'
Protein context (NP_009009.1, residues 486-506): SRPPWVTDDS[Phe496Ser]SQKFAPGKST